The following is an entry in ClinVar:

NM_000701.8(ATP1A1):c.1154G>A (p.Arg385Gln)

Gene: ATP1A1 (ATPase Na+/K+ transporting subunit alpha 1; plus strand). Cytogenetic location: 1p13.1.
Variant type: single nucleotide variant.
Coding change: c.1154G>A on transcript NM_000701.8 (MANE Select); coding-DNA position 1154, G replaced by A.
Protein change: p.Arg385Gln; replaces arginine 385 with glutamine.
Molecular consequence: missense variant.
Genome position (GRCh38, 1-based): chr1:116,390,343, G>A. VCF-style: chr1-116390343-G-A. GRCh37 (hg19) VCF-style: chr1-116932965-G-A.
Other names: c.1154G>A, p.Arg385Gln (NM_001160233.2); c.1061G>A, p.Arg354Gln (NM_001160234.2); short protein forms R385Q, R354Q.
Identifiers: ClinVar variation 1435003 (VCV001435003.8), dbSNP rs1269859843, ClinGen allele CA341844548.

ClinVar aggregate classification (germline): Uncertain significance (1 of 4 stars; one submission).

Allele frequency attached by ClinVar (database versions not stated): gnomAD 0.00001; gnomAD exomes 0.00001 and 0.00003; TOPMed 0.00001.
gnomAD v4.1: 44 of 1,614,024 alleles (0.0027%); highest among the groups gnomAD compares: East Asian, 0.0045%; no homozygotes.

Submission:

Labcorp Genetics (formerly Invitae), Labcorp
Classification: Uncertain significance. Last evaluated: 2023-01-14. Review status: criteria provided, single submitter. Criteria: Invitae Variant Classification Sherloc (09022015). Collection method: clinical testing. Allele origin: germline.
Comment: In summary, the available evidence is currently insufficient to determine the role of this variant in disease. Therefore, it has been classified as a Variant of Uncertain Significance. ClinVar contains an entry for this variant (Variation ID: 1435003). Advanced modeling of protein sequence and biophysical properties (such as structural, functional, and spatial information, amino acid conservation, physicochemical variation, residue mobility, and thermodynamic stability) performed at Invitae indicates that this missense variant is not expected to disrupt ATP1A1 protein function. This variant has not been reported in the literature in individuals affected with ATP1A1-related conditions. This sequence change replaces arginine, which is basic and polar, with glutamine, which is neutral and polar, at codon 385 of the ATP1A1 protein (p.Arg385Gln). This variant is present in population databases (no rsID available, gnomAD 0.01%).